The following is an entry in ClinVar:

ClinVar aggregate classification (germline): Benign. Review status: criteria provided, multiple submitters, no conflicts (2 of 4 stars). 2 submissions from 2 submitters: Benign (2). Last evaluated 2018-01-12.

Conditions:
Parkinson disease 5, autosomal dominant, susceptibility to (PARK5). Also called: Parkinson disease 5, susceptibility to. Identifiers: Orphanet 2828, MedGen C3150899, MONDO:0013340, OMIM 613643.

Allele frequency attached by ClinVar (database versions not stated): gnomAD exomes 0.00048; 1000 Genomes Project 0.00260; 1000 Genomes Project 30x 0.00281; gnomAD 0.00352 and 0.00381; TOPMed 0.00429.
gnomAD v4.1: 684 of 455,752 alleles (0.15%); highest among the groups gnomAD compares: African/African-American, 1.2%; 4 homozygotes.

Submissions (2):

Illumina Laboratory Services, Illumina
Classification: Benign for Parkinson disease 5, autosomal dominant, susceptibility to. Last evaluated: 2018-01-12. Review status: criteria provided, single submitter. Criteria: ICSL Variant Classification Criteria 13 December 2019. Collection method: clinical testing. Allele origin: germline.
Comment: This variant was observed in the ICSL laboratory as part of a predisposition screen in an ostensibly healthy population. It had not been previously curated by ICSL or reported in the Human Gene Mutation Database (HGMD: prior to June 1st, 2018), and was therefore a candidate for classification through an automated scoring system. Utilizing variant allele frequency, disease prevalence and penetrance estimates, and inheritance mode, an automated score was calculated to assess if this variant is too frequent to cause the disease. Based on the score and internal cut-off values, a variant classified as benign is not then subjected to further curation. The score for this variant resulted in a classification of benign for this disease.

Breakthrough Genomics
Classification: Benign. Review status: criteria provided, single submitter. Criteria: ACMG Guidelines, 2015. Collection method: not provided. Allele origin: germline. Inheritance: Autosomal recessive inheritance. Affected: yes.

NM_004181.5(UCHL1):c.*294G>A

Gene: UCHL1 (ubiquitin C-terminal hydrolase L1; plus strand). Cytogenetic location: 4p13.
Variant type: single nucleotide variant.
Coding change: c.*294G>A on transcript NM_004181.5 (MANE Select); 294 bases downstream of the stop codon, G replaced by A.
Molecular consequence: 3 prime UTR variant.
Genome position (GRCh38, 1-based): chr4:41,268,367, G>A. VCF-style: chr4-41268367-G-A. GRCh37 (hg19) VCF-style: chr4-41270384-G-A.
Identifiers: ClinVar variation 348777 (VCV000348777.6), dbSNP rs116700032, ClinGen allele CA10621081.